The following is an entry in ClinVar:

NM_001077350.3(NPRL3):c.1678G>T (p.Val560Phe)

Gene: NPRL3 (NPR3 like, GATOR1 complex subunit; minus strand). Cytogenetic location: 16p13.3.
Variant type: single nucleotide variant.
Coding change: c.1678G>T on transcript NM_001077350.3 (MANE Select); coding-DNA position 1678, G replaced by T.
Protein change: p.Val560Phe; replaces valine 560 with phenylalanine.
Molecular consequence: missense variant.
Genome position (GRCh38, 1-based): chr16:86,737, C>A on the plus strand (G>T on the coding strand, the complement: NPRL3 is on the minus strand). VCF-style: chr16-86737-C-A. GRCh37 (hg19) VCF-style: chr16-136736-C-A.
Other names: c.1141G>T, p.Val381Phe (NM_001039476.3); c.1444G>T, p.Val482Phe (NM_001243247.2); c.1603G>T, p.Val535Phe (NM_001243248.2, NM_001243249.2); short protein forms V535F, V560F, V381F, V482F.
Identifiers: ClinVar variation 1395447 (VCV001395447.6), dbSNP rs752181668, ClinGen allele CA7769245.

ClinVar aggregate classification (germline): Uncertain significance (1 of 4 stars; one submission).

Conditions:
Epilepsy, familial focal, with variable foci 3 (FFEVF3). Identifiers: MedGen C4310708, MONDO:0014925, OMIM 617118.

Allele frequency attached by ClinVar (database versions not stated): gnomAD exomes 0.00001 and 0.00003; TOPMed 0.00003; gnomAD 0.00004 and 0.00005; ExAC 0.00008.
gnomAD v4.1: 24 of 1,571,676 alleles (0.0015%); highest among the groups gnomAD compares: Admixed American, 0.0057%; no homozygotes.

Submission:

Labcorp Genetics (formerly Invitae), Labcorp
Classification: Uncertain significance for Epilepsy, familial focal, with variable foci 3. Last evaluated: 2025-03-30. Review status: criteria provided, single submitter. Criteria: Invitae Variant Classification Sherloc (09022015). Collection method: clinical testing. Allele origin: germline.
Comment: This sequence change replaces valine, which is neutral and non-polar, with phenylalanine, which is neutral and non-polar, at codon 560 of the NPRL3 protein (p.Val560Phe). This variant is present in population databases (rs752181668, gnomAD 0.005%). This variant has not been reported in the literature in individuals affected with NPRL3-related conditions. ClinVar contains an entry for this variant (Variation ID: 1395447). Experimental studies and prediction algorithms are not available or were not evaluated, and the functional significance of this variant is currently unknown. In summary, the available evidence is currently insufficient to determine the role of this variant in disease. Therefore, it has been classified as a Variant of Uncertain Significance.